The following is an entry in ClinVar:

ClinVar aggregate classification (germline): Uncertain significance (1 of 4 stars; one submission).

Conditions:
Fanconi anemia (FA). Also called: Fanconi's anemia. Identifiers: Orphanet 84, MedGen C0015625, MeSH D005199, MONDO:0019391.

gnomAD v4.1: 1 of 1,504,860 alleles (0.000066%); highest among the groups gnomAD compares: Non-Finnish European, 0.000093%; no homozygotes.

Submission:

Labcorp Genetics (formerly Invitae), Labcorp
Classification: Uncertain significance for Fanconi anemia. Last evaluated: 2022-05-18. Review status: criteria provided, single submitter. Criteria: Invitae Variant Classification Sherloc (09022015). Collection method: clinical testing. Allele origin: germline.
Comment: In summary, the available evidence is currently insufficient to determine the role of this variant in disease. Therefore, it has been classified as a Variant of Uncertain Significance. Algorithms developed to predict the effect of missense changes on protein structure and function are either unavailable or do not agree on the potential impact of this missense change (SIFT: "Deleterious"; PolyPhen-2: "Benign"; Align-GVGD: "Class C0"). This variant has not been reported in the literature in individuals affected with FANCM-related conditions. This variant is not present in population databases (gnomAD no frequency). This sequence change replaces asparagine, which is neutral and polar, with tyrosine, which is neutral and polar, at codon 599 of the FANCM protein (p.Asn599Tyr).

NM_020937.4(FANCM):c.1795A>T (p.Asn599Tyr)

Gene: FANCM (FA complementation group M; plus strand). Cytogenetic location: 14q21.2.
Variant type: single nucleotide variant.
Coding change: c.1795A>T on transcript NM_020937.4 (MANE Select); coding-DNA position 1795, A replaced by T.
Protein change: p.Asn599Tyr; replaces asparagine 599 with tyrosine.
Molecular consequence: missense variant.
Genome position (GRCh38, 1-based): chr14:45,166,956, A>T. VCF-style: chr14-45166956-A-T. GRCh37 (hg19) VCF-style: chr14-45636159-A-T.
Other names: c.1717A>T, p.Asn573Tyr (NM_001308133.2); c.1795A>T, p.Asn599Tyr (NM_001308134.2); short protein forms N573Y, N599Y.
Identifiers: ClinVar variation 1939886 (VCV001939886.5), dbSNP rs770599073, ClinGen allele CA389594780.